The following is an entry in ClinVar:

ClinVar aggregate classification (germline): Uncertain significance (1 of 4 stars; one submission).

gnomAD v4.1: 3 of 1,612,572 alleles (0.00019%); highest among the groups gnomAD compares: African/African-American, 0.004%; no homozygotes.

Submission:

Labcorp Genetics (formerly Invitae), Labcorp
Classification: Uncertain significance. Last evaluated: 2025-12-02. Review status: criteria provided, single submitter. Criteria: Invitae Variant Classification Sherloc (09022015). Collection method: clinical testing. Allele origin: germline.
Comment: This sequence change replaces serine, which is neutral and polar, with arginine, which is basic and polar, at codon 165 of the KRT16 protein (p.Ser165Arg). This variant is present in population databases (rs771047238, gnomAD 0.008%). This variant has not been reported in the literature in individuals affected with KRT16-related conditions. Invitae Evidence Modeling of protein sequence and biophysical properties (such as structural, functional, and spatial information, amino acid conservation, physicochemical variation, residue mobility, and thermodynamic stability) indicates that this missense variant is not expected to disrupt KRT16 protein function with a negative predictive value of 95%. In summary, the available evidence is currently insufficient to determine the role of this variant in disease. Therefore, it has been classified as a Variant of Uncertain Significance.

NM_005557.4(KRT16):c.493A>C (p.Ser165Arg)

Gene: KRT16 (keratin 16; minus strand). Cytogenetic location: 17q21.2.
Variant type: single nucleotide variant.
Coding change: c.493A>C on transcript NM_005557.4 (MANE Select); coding-DNA position 493, A replaced by C.
Protein change: p.Ser165Arg; replaces serine 165 with arginine.
Molecular consequence: missense variant.
Genome position (GRCh38, 1-based): chr17:41,612,196, T>G on the plus strand (A>C on the coding strand, the complement: KRT16 is on the minus strand). VCF-style: chr17-41612196-T-G. GRCh37 (hg19) VCF-style: chr17-39768448-T-G.
Other names: short protein forms S165R.
Identifiers: ClinVar variation 4767932 (VCV004767932.1).